The following is an entry in ClinVar:

NM_001371727.1(GABRB2):c.85G>T (p.Asp29Tyr)

Gene: GABRB2 (gamma-aminobutyric acid type A receptor subunit beta2; minus strand). Cytogenetic location: 5q34.
Variant type: single nucleotide variant.
Coding change: c.85G>T on transcript NM_001371727.1 (MANE Select); coding-DNA position 85, G replaced by T.
Protein change: p.Asp29Tyr; replaces aspartic acid 29 with tyrosine.
Molecular consequence: missense variant.
Genome position (GRCh38, 1-based): chr5:161,546,406, C>A on the plus strand (G>T on the coding strand, the complement: GABRB2 is on the minus strand). VCF-style: chr5-161546406-C-A. GRCh37 (hg19) VCF-style: chr5-160973412-C-A.
Other names: c.85G>T, p.Asp29Tyr (NM_000813.3, NM_021911.3); c.85G>T (NM_021911.2); short protein forms D29Y.
Identifiers: ClinVar variation 1002144 (VCV001002144.10), dbSNP rs775606746, ClinGen allele CA3543667.

ClinVar aggregate classification (germline): Conflicting classifications of pathogenicity. Review status: criteria provided, conflicting classifications (1 of 4 stars). 2 submissions from 2 submitters: Uncertain significance (1); Likely benign (1). Last evaluated 2026-06-22.

Conditions:
GABRB2-related disorder. Also called: GABRB2-related condition.
Intellectual disability. Also called: Intellectual functioning disability; intellectual disabilities; Intellectual developmental disorder. Identifiers: MedGen C3714756, MeSH D008607, MONDO:0001071, HP:0001249.

Allele frequency attached by ClinVar (database versions not stated): ExAC 0.00001; gnomAD exomes 0.00001; TOPMed 0.00001; gnomAD 0.00002 and 0.00003.
gnomAD v4.1: 21 of 1,613,464 alleles (0.0013%); highest among the groups gnomAD compares: Non-Finnish European, 0.0014%; no homozygotes.

Submissions (2):

PreventionGenetics, part of Exact Sciences
Classification: Likely benign for GABRB2-related condition. Last evaluated: 2026-06-22. Review status: criteria provided, single submitter. Criteria: ACMG Guidelines, 2015. Collection method: clinical testing. Allele origin: germline.
Comment: This variant is classified as likely benign based on ACMG/AMP sequence variant interpretation guidelines (Richards et al. 2015 PMID: 25741868, with internal and published modifications).

Labcorp Genetics (formerly Invitae), Labcorp
Classification: Uncertain significance for Intellectual disability. Last evaluated: 2024-03-13. Review status: criteria provided, single submitter. Criteria: Invitae Variant Classification Sherloc (09022015). Collection method: clinical testing. Allele origin: germline.
Comment: This sequence change replaces aspartic acid, which is acidic and polar, with tyrosine, which is neutral and polar, at codon 29 of the GABRB2 protein (p.Asp29Tyr). This variant is present in population databases (rs775606746, gnomAD 0.002%). This variant has not been reported in the literature in individuals affected with GABRB2-related conditions. ClinVar contains an entry for this variant (Variation ID: 1002144). Advanced modeling of protein sequence and biophysical properties (such as structural, functional, and spatial information, amino acid conservation, physicochemical variation, residue mobility, and thermodynamic stability) has been performed at Invitae for this missense variant, however the output from this modeling did not meet the statistical confidence thresholds required to predict the impact of this variant on GABRB2 protein function. In summary, the available evidence is currently insufficient to determine the role of this variant in disease. Therefore, it has been classified as a Variant of Uncertain Significance.